The following is an entry in ClinVar:

NM_000137.4(FAH):c.1003G>A (p.Val335Ile)

Gene: FAH (fumarylacetoacetate hydrolase; plus strand). Cytogenetic location: 15q25.1.
Variant type: single nucleotide variant.
Coding change: c.1003G>A on transcript NM_000137.4 (MANE Select); coding-DNA position 1003, G replaced by A.
Protein change: p.Val335Ile; replaces valine 335 with isoleucine.
Molecular consequence: missense variant.
Genome position (GRCh38, 1-based): chr15:80,180,166, G>A. VCF-style: chr15-80180166-G-A. GRCh37 (hg19) VCF-style: chr15-80472508-G-A.
Other names: c.1003G>A, p.Val335Ile (NM_001374377.1, NM_001374380.1); c.1003G>A (NM_000137.2); short protein forms V335I.
Identifiers: ClinVar variation 2082248 (VCV002082248.2), dbSNP rs139702625, ClinGen allele CA7691436.
Genomic context (GRCh38, chr15:80,180,166, plus strand): 5'-CGCGTCCATTGCCTGCAGTACATGTACTGGACGATGCTGCAGCAGCTCACTCACCACTCT[G>A]TCAACGGCTGCAACCTGCGGCCGGGGGACCTCCTGGCTTCTGGGACCATCAGCGGGCCGG-3'
Protein context (NP_000128.1, residues 325-345): TMLQQLTHHS[Val335Ile]NGCNLRPGDL

ClinVar aggregate classification (germline): Uncertain significance. Review status: criteria provided, multiple submitters, no conflicts (2 of 4 stars). 2 submissions from 2 submitters: Uncertain significance (2). Last evaluated 2025-02-03.

Conditions:
Tyrosinemia type I (TYRSN1). Also called: Tyrosinemia type 1; Fumarylacetoacetase deficiency; Deficiency of fumarylacetoacetase; FAH DEFICIENCY; HEPATORENAL TYROSINEMIA. Identifiers: Orphanet 882, MedGen C0268490, MONDO:0010161, OMIM 276700. Disease mechanism: loss of function.
Inborn genetic diseases. Identifiers: MedGen C0950123, MeSH D030342.

Allele frequency attached by ClinVar (database versions not stated): gnomAD exomes 0.00001; ExAC 0.00003; ESP Exome Variant Server 0.00008; TOPMed 0.00009; gnomAD 0.00011.
gnomAD v4.1: 30 of 1,610,836 alleles (0.0019%); highest among the groups gnomAD compares: African/African-American, 0.035%; no homozygotes.

Submissions (2):

Ambry Genetics
Classification: Uncertain significance for Inborn genetic diseases. Last evaluated: 2025-02-03. Review status: criteria provided, single submitter. Criteria: Ambry Variant Classification Scheme 2023. Collection method: clinical testing. Allele origin: germline.

Labcorp Genetics (formerly Invitae), Labcorp
Classification: Uncertain significance for Tyrosinemia type I. Last evaluated: 2022-06-05. Review status: criteria provided, single submitter. Criteria: Invitae Variant Classification Sherloc (09022015). Collection method: clinical testing. Allele origin: germline.
Comment: This sequence change replaces valine, which is neutral and non-polar, with isoleucine, which is neutral and non-polar, at codon 335 of the FAH protein (p.Val335Ile). This variant is present in population databases (rs139702625, gnomAD 0.04%). This variant has not been reported in the literature in individuals affected with FAH-related conditions. Advanced modeling of protein sequence and biophysical properties (such as structural, functional, and spatial information, amino acid conservation, physicochemical variation, residue mobility, and thermodynamic stability) performed at Invitae indicates that this missense variant is not expected to disrupt FAH protein function. In summary, the available evidence is currently insufficient to determine the role of this variant in disease. Therefore, it has been classified as a Variant of Uncertain Significance.